The following is an entry in ClinVar:

ClinVar aggregate classification (germline): Uncertain significance (1 of 4 stars; one submission).

Submission:

GeneDx
Classification: Uncertain significance. Last evaluated: 2024-04-30. Review status: criteria provided, single submitter. Criteria: GeneDx Variant Classification Process June 2021. Collection method: clinical testing. Allele origin: germline. Affected: yes.
Comment: Not observed at significant frequency in large population cohorts (gnomAD); In silico analysis indicates that this missense variant does not alter protein structure/function; Has not been previously published as pathogenic or benign to our knowledge

NM_001220.5(CAMK2B):c.1987G>T (p.Ala663Ser)

Gene: CAMK2B (calcium/calmodulin dependent protein kinase II beta; minus strand). Cytogenetic location: 7p13.
Variant type: single nucleotide variant.
Coding change: c.1987G>T on transcript NM_001220.5 (MANE Select); coding-DNA position 1987, G replaced by T.
Protein change: p.Ala663Ser; replaces alanine 663 with serine.
Molecular consequence: missense variant.
Genome position (GRCh38, 1-based): chr7:44,220,076, C>A on the plus strand (G>T on the coding strand, the complement: CAMK2B is on the minus strand). VCF-style: chr7-44220076-C-A. GRCh37 (hg19) VCF-style: chr7-44259675-C-A.
Other names: c.1615G>T, p.Ala539Ser (NM_001293170.2, NM_172078.3); c.1543G>T, p.Ala515Ser (NM_172079.3); c.1540G>T, p.Ala514Ser (NM_172080.3); c.1498G>T, p.Ala500Ser (NM_172081.3); c.1465G>T, p.Ala489Ser (NM_172082.3); c.1426G>T, p.Ala476Ser (NM_172083.3); c.1336G>T, p.Ala446Ser (NM_172084.3); short protein forms A446S, A476S, A489S, A500S, A514S, A515S, A539S, A663S.
Identifiers: ClinVar variation 3373340 (VCV003373340.1).
Genomic context (GRCh38, chr7:44,220,076, plus strand): 5'-CGCCACCCCTCTGCCCCAGCTGTCACTTAGCACAGAACACTCACCTTCACTGCAGCGGGG[C>A]CACAGGCGCGCCCGAGCAGTGGAAGTGCACGTTCTGCCACTTGCCGTCGCGGCGGTGCCA-3'
Protein context (NP_001211.3, residues 653-666): VHFHCSGAPV[Ala663Ser]PLQ